The following is an entry in ClinVar:

NM_020975.6(RET):c.2705A>C (p.Glu902Ala)

Gene: RET (ret proto-oncogene; plus strand). Cytogenetic location: 10q11.21.
Variant type: single nucleotide variant.
Coding change: c.2705A>C on transcript NM_020975.6 (MANE Select); coding-DNA position 2705, A replaced by C.
Protein change: p.Glu902Ala; replaces glutamic acid 902 with alanine.
Molecular consequence: missense variant.
Genome position (GRCh38, 1-based): chr10:43,120,178, A>C. VCF-style: chr10-43120178-A-C. GRCh37 (hg19) VCF-style: chr10-43615626-A-C.
Other names: c.2705A>C, p.Glu902Ala (NM_000323.2, NM_001406743.1, NM_001406744.1 and 4 more transcripts); c.1943A>C, p.Glu648Ala (NM_001355216.2); c.2576A>C, p.Glu859Ala (NM_001406761.1, NM_001406762.1, NM_001406764.1); c.2570A>C, p.Glu857Ala (NM_001406763.1, NM_001406765.1); c.2417A>C, p.Glu806Ala (NM_001406766.1, NM_001406767.1, NM_001406770.1); c.2441A>C, p.Glu814Ala (NM_001406768.1); c.2309A>C, p.Glu770Ala (NM_001406769.1, NM_001406772.1); c.2267A>C, p.Glu756Ala (NM_001406771.1, NM_001406773.1); and 10 more; short protein forms E648A, E902A, E814A, E859A, E560A, E563A, E727A, E756A.
Identifiers: ClinVar variation 1364129 (VCV001364129.8), dbSNP rs2132963709, ClinGen allele CA376557266.

ClinVar aggregate classification (germline): Uncertain significance. Review status: criteria provided, multiple submitters, no conflicts (2 of 4 stars). 2 submissions from 2 submitters: Uncertain significance (2). Last evaluated 2026-07-07.

Conditions:
Hereditary cancer-predisposing syndrome. Also called: Hereditary Cancer Syndrome; Neoplastic Syndromes, Hereditary; Hereditary neoplastic syndrome; Tumor predisposition. Identifiers: Orphanet 140162, MedGen C0027672, MeSH D009386, MONDO:0015356.
Multiple endocrine neoplasia, type 2 (MEN2). Identifiers: Orphanet 653, MedGen C4048306, MONDO:0019003. Disease mechanism: gain of function.

Submissions (2):

Ambry Genetics
Classification: Uncertain significance for Hereditary cancer-predisposing syndrome. Last evaluated: 2026-07-07. Review status: criteria provided, single submitter. Criteria: Ambry Variant Classification Scheme 2023. Collection method: clinical testing. Allele origin: germline.
Comment: The p.E902A variant (also known as c.2705A>C), located in coding exon 15 of the RET gene, results from an A to C substitution at nucleotide position 2705. The glutamic acid at codon 902 is replaced by alanine, an amino acid with dissimilar properties. This amino acid position is conserved. In addition, the in silico prediction for this alteration is inconclusive. Based on the available evidence, the clinical significance of this variant remains unclear.

Labcorp Genetics (formerly Invitae), Labcorp
Classification: Uncertain significance for Multiple endocrine neoplasia, type 2. Last evaluated: 2023-09-04. Review status: criteria provided, single submitter. Criteria: Invitae Variant Classification Sherloc (09022015). Collection method: clinical testing. Allele origin: germline.
Comment: This sequence change replaces glutamic acid, which is acidic and polar, with alanine, which is neutral and non-polar, at codon 902 of the RET protein (p.Glu902Ala). This variant is not present in population databases (gnomAD no frequency). This variant has not been reported in the literature in individuals affected with RET-related conditions. ClinVar contains an entry for this variant (Variation ID: 1364129). An algorithm developed to predict the effect of missense changes on protein structure and function (PolyPhen-2) suggests that this variant is likely to be disruptive. In summary, the available evidence is currently insufficient to determine the role of this variant in disease. Therefore, it has been classified as a Variant of Uncertain Significance.